The following is an entry in ClinVar:

NM_006939.4(SOS2):c.1853-13T>C

Gene: SOS2 (SOS Ras/Rho guanine nucleotide exchange factor 2; minus strand). Cytogenetic location: 14q21.3.
Variant type: single nucleotide variant.
Coding change: c.1853-13T>C on transcript NM_006939.4 (MANE Select); 13 bases into the intron before coding-DNA position 1853, T replaced by C.
Molecular consequence: intron variant.
Genome position (GRCh38, 1-based): chr14:50,158,659, A>G on the plus strand (T>C on the coding strand, the complement: SOS2 is on the minus strand). VCF-style: chr14-50158659-A-G. GRCh37 (hg19) VCF-style: chr14-50625377-A-G.
Other names: c.1754-13T>C (NM_001411020.1).
Identifiers: ClinVar variation 4706015 (VCV004706015.1).
Genomic context (GRCh38, chr14:50,158,659, plus strand): 5'-TACAAAATGAACGATATGTGGTAAGAAAAGTACGAACAAAATTGGGATCTGAAAAGGCAG[A>G]GCATAAAATAGGTTTCATGTTTAATGTATTCAGTTTAATTAACTCAAAGTACCATATTTG-3'

ClinVar aggregate classification (germline): Uncertain significance (1 of 4 stars; one submission).

Conditions:
Noonan syndrome 9 (NS9). Identifiers: Orphanet 648, MedGen C4225282, MONDO:0014691, OMIM 616559.

gnomAD v4.1: 5 of 1,537,564 alleles (0.00033%); highest among the groups gnomAD compares: Non-Finnish European, 0.00045%; no homozygotes.

Submission:

Labcorp Genetics (formerly Invitae), Labcorp
Classification: Uncertain significance for Noonan syndrome 9. Last evaluated: 2025-05-08. Review status: criteria provided, single submitter. Criteria: Invitae Variant Classification Sherloc (09022015). Collection method: clinical testing. Allele origin: germline.
Comment: This sequence change falls in intron 10 of the SOS2 gene. It does not directly change the encoded amino acid sequence of the SOS2 protein. This variant is present in population databases (no rsID available, gnomAD 0.01%). This variant has not been reported in the literature in individuals affected with SOS2-related conditions. Algorithms developed to predict the effect of sequence changes on RNA splicing suggest that this variant may disrupt the consensus splice site. In summary, the available evidence is currently insufficient to determine the role of this variant in disease. Therefore, it has been classified as a Variant of Uncertain Significance.